The following is an entry in ClinVar:

ClinVar aggregate classification (germline): Uncertain significance. Review status: criteria provided, multiple submitters, no conflicts (2 of 4 stars). 2 submissions from 2 submitters: Uncertain significance (2). Last evaluated 2023-12-22.

Allele frequency attached by ClinVar (database versions not stated): TOPMed 0.00001; gnomAD exomes 0.00002 and 0.00003; ExAC 0.00004; gnomAD 0.00004.

Submissions (2):

Labcorp Genetics (formerly Invitae), Labcorp
Classification: Uncertain significance. Last evaluated: 2023-12-22. Review status: criteria provided, single submitter. Criteria: Invitae Variant Classification Sherloc (09022015). Collection method: clinical testing. Allele origin: germline.
Comment: This sequence change replaces threonine, which is neutral and polar, with methionine, which is neutral and non-polar, at codon 82 of the C17orf62 protein (p.Thr82Met). This variant is present in population databases (rs768374410, gnomAD 0.02%). This variant has not been reported in the literature in individuals affected with C17orf62-related conditions. ClinVar contains an entry for this variant (Variation ID: 1682719). An algorithm developed to predict the effect of missense changes on protein structure and function (PolyPhen-2) suggests that this variant is likely to be disruptive. In summary, the available evidence is currently insufficient to determine the role of this variant in disease. Therefore, it has been classified as a Variant of Uncertain Significance.

Blueprint Genetics
Classification: Uncertain significance. Last evaluated: 2021-10-15. Review status: criteria provided, single submitter. Criteria: ACMG Guidelines, 2015. Collection method: clinical testing. Allele origin: germline.

NM_001033046.4(CYBC1):c.245C>T (p.Thr82Met)

Gene: CYBC1 (cytochrome b-245 chaperone 1; minus strand). Cytogenetic location: 17q25.3.
Variant type: single nucleotide variant.
Coding change: c.245C>T on transcript NM_001033046.4 (MANE Select); coding-DNA position 245, C replaced by T.
Protein change: p.Thr82Met; replaces threonine 82 with methionine.
Molecular consequence: missense variant. On other transcripts: non-coding transcript variant (4).
Genome position (GRCh38, 1-based): chr17:82,445,917, G>A on the plus strand (C>T on the coding strand, the complement: CYBC1 is on the minus strand). VCF-style: chr17-82445917-G-A. GRCh37 (hg19) VCF-style: chr17-80403793-G-A.
Other names: c.245C>T, p.Thr82Met (NM_001100407.3, NM_001193653.2, NM_001193654.2 and 2 more transcripts); c.203C>T, p.Thr68Met (NM_001100408.3); short protein forms T68M, T82M.
Identifiers: ClinVar variation 1682719 (VCV001682719.6), dbSNP rs768374410, ClinGen allele CA8858293.
Genomic context (GRCh38, chr17:82,445,917, plus strand): 5'-GACTCACCCTGGTCGTGGCCAGCTCTGAAAAGAGTCAGCAGCTTCTTGTAGAGGCTGAAC[G>A]TCTTCAAAACAACCTTCCCTGTGCTCTTGTCGAAGATGGCTTCCTGGAAACCGACATGCA-3'
Protein context (NP_001028218.1, residues 72-92): DKSTGKVVLK[Thr82Met]FSLYKKLLTL